The following is an entry in ClinVar:

ClinVar aggregate classification (germline): Pathogenic (1 of 4 stars; one submission).

Conditions:
Osteogenesis imperfecta type I (OI1). Also called: Lobstein's Disease; Lobstein disease; OI, TYPE I; OSTEOGENESIS IMPERFECTA TARDA; OSTEOGENESIS IMPERFECTA WITH BLUE SCLERAE; Osteogenesis imperfecta type 1. Identifiers: Orphanet 216796, Orphanet 666, MedGen C0023931, MONDO:0008146, OMIM 166200. Disease mechanism: loss of function.

Submission:

Labcorp Genetics (formerly Invitae), Labcorp
Classification: Pathogenic for Osteogenesis imperfecta type I. Last evaluated: 2023-11-24. Review status: criteria provided, single submitter. Criteria: Invitae Variant Classification Sherloc (09022015). Collection method: clinical testing. Allele origin: germline.
Comment: This sequence change creates a premature translational stop signal (p.Asn1279Thrfs*52) in the COL1A1 gene. It is expected to result in an absent or disrupted protein product. Loss-of-function variants in COL1A1 are known to be pathogenic (PMID: 7942841, 9295084, 9443882). This variant is not present in population databases (gnomAD no frequency). This variant has not been reported in the literature in individuals affected with COL1A1-related conditions. For these reasons, this variant has been classified as Pathogenic.

Literature cited by the submitters: PubMed 7942841; PubMed 9295084; PubMed 9443882.

NM_000088.4(COL1A1):c.3834del (p.Asn1279fs)

Gene: COL1A1 (collagen type I alpha 1 chain; minus strand). Cytogenetic location: 17q21.33.
Variant type: Deletion.
Coding change: c.3834del on transcript NM_000088.4 (MANE Select); coding-DNA position 3834, one base deleted (C; older notation c.3834delC).
Protein change: p.Asn1279fs; shifts the reading frame from asparagine 1279.
Molecular consequence: frameshift variant.
Genome position (GRCh38, 1-based): chr17:50,186,488, G deleted on the plus strand (C on the coding strand, the reverse complement: COL1A1 is on the minus strand); the first of 4 consecutive G bases (chr17:50,186,488-50,186,491); deleting any one gives the same sequence. VCF-style (leftmost placement, unchanged base first): chr17-50186487-TG-T. GRCh37 (hg19) VCF-style: chr17-48263848-TG-T.
Other names: short protein forms N1279fs.
Identifiers: ClinVar variation 2698544 (VCV002698544.3), dbSNP rs2509161402, ClinGen allele CA2697560247.
Genomic context (GRCh38, chr17:50,186,487, plus strand): 5'-AGGTCTCACCAGTCTCCATGTTGCAGAAGACTTTGATGGCATCCAGGTTGCAGCCTTGGT[TG>T]GGGTCAATCCAGTACTCTCCTGTGGTAGGGCAGGGCAAGATGGAGTCAGGGAAAGGGAGC-3'